The following is an entry in ClinVar:

ClinVar aggregate classification (germline): Likely benign. Review status: criteria provided, single submitter (1 of 4 stars). 2 submissions from 2 submitters: Likely benign (1). 1 of the submissions does not count toward it. Last evaluated 2023-08-01.

Conditions:
CHD1-related disorder. Also called: CHD1-related condition.

Allele frequency attached by ClinVar (database versions not stated): ESP Exome Variant Server 0.00015; gnomAD exomes 0.00027; TOPMed 0.00031; ExAC 0.00037; gnomAD 0.00038; 1000 Genomes Project 0.00060; 1000 Genomes Project 30x 0.00062.
gnomAD v4.1: 467 of 1,611,884 alleles (0.029%); highest among the groups gnomAD compares: Middle Eastern, 0.2%; no homozygotes.

Submissions (2):

CeGaT Center for Human Genetics Tuebingen
Classification: Likely benign. Last evaluated: 2023-08-01. Review status: criteria provided, single submitter. Criteria: CeGaT Center For Human Genetics Tuebingen Variant Classification Criteria Version 2. Collection method: clinical testing. Allele origin: germline. Affected: yes. Observed: 3 variant alleles.
Comment: CHD1: BP4, BS2

PreventionGenetics, part of Exact Sciences
Classification: Likely benign for CHD1-related condition. Last evaluated: 2019-11-26. Review status: no assertion criteria provided. Collection method: clinical testing. Allele origin: germline. Not counted in ClinVar's aggregate classification.
Comment: This variant is classified as likely benign based on ACMG/AMP sequence variant interpretation guidelines (Richards et al. 2015 PMID: 25741868, with internal and published modifications).

NM_001270.4(CHD1):c.3921C>T (p.Asp1307=)

Gene: CHD1 (chromodomain helicase DNA binding protein 1; minus strand). Cytogenetic location: 5q15.
Variant type: single nucleotide variant.
Coding change: c.3921C>T on transcript NM_001270.4 (MANE Select); coding-DNA position 3921, C replaced by T.
Protein change: p.Asp1307=; no amino-acid change (aspartic acid 1307 retained).
Molecular consequence: synonymous variant. On other transcripts: non-coding transcript variant (2).
Genome position (GRCh38, 1-based): chr5:98,870,744, G>A on the plus strand (C>T on the coding strand, the complement: CHD1 is on the minus strand). VCF-style: chr5-98870744-G-A. GRCh37 (hg19) VCF-style: chr5-98206448-G-A.
Other names: c.3921C>T, p.Asp1307= (NM_001364113.3, NM_001376194.2); c.3921C>T (NM_001270.2).
Identifiers: ClinVar variation 2655610 (VCV002655610.25), dbSNP rs200865526, ClinGen allele CA3355829.